The following is an entry in ClinVar:

ClinVar aggregate classification (germline): Likely benign (1 of 4 stars; one submission).

Submission:

CeGaT Center for Human Genetics Tuebingen
Classification: Likely benign. Last evaluated: 2025-08-01. Review status: criteria provided, single submitter. Criteria: CeGaT Center For Human Genetics Tuebingen Variant Classification Criteria Version 2. Collection method: clinical testing. Allele origin: germline. Affected: yes. Observed: 1 variant allele.
Comment: DIS3L2: PM2:Supporting, BP4, BP7

NM_152383.5(DIS3L2):c.156T>C (p.Thr52=)

Gene: DIS3L2 (DIS3 like 3'-5' exoribonuclease 2; plus strand). Cytogenetic location: 2q37.1.
Variant type: single nucleotide variant.
Coding change: c.156T>C on transcript NM_152383.5 (MANE Select); coding-DNA position 156, T replaced by C.
Protein change: p.Thr52=; no amino-acid change (threonine 52 retained).
Molecular consequence: synonymous variant. On other transcripts: non-coding transcript variant (2).
Genome position (GRCh38, 1-based): chr2:232,015,617, T>C. VCF-style: chr2-232015617-T-C. GRCh37 (hg19) VCF-style: chr2-232880327-T-C.
Other names: c.156T>C, p.Thr52= (NM_001257281.2, NM_001257282.2).
Identifiers: ClinVar variation 4083907 (VCV004083907.8).